The following is an entry in ClinVar:

ClinVar aggregate classification (germline): Conflicting classifications of pathogenicity. Review status: criteria provided, conflicting classifications (1 of 4 stars). 2 submissions from 2 submitters: Uncertain significance (1); Likely benign (1). Last evaluated 2023-10-25.

Conditions:
Immunodeficiency 35 (IMD35). Also called: TYK2 DEFICIENCY; HIES WITH ATYPICAL MYCOBACTERIOSIS, AUTOSOMAL RECESSIVE; HYPER-IgE SYNDROME WITH ATYPICAL MYCOBACTERIOSIS, AUTOSOMAL RECESSIVE; Susceptibility to infection due to TYK2 deficiency. Identifiers: Orphanet 331226, MedGen C1969086, MONDO:0012682, OMIM 611521.
Inborn genetic diseases. Identifiers: MedGen C0950123, MeSH D030342.

Allele frequency attached by ClinVar (database versions not stated): TOPMed 0.00004; ExAC 0.00005; gnomAD exomes 0.00005.
gnomAD v4.1: 19 of 1,551,720 alleles (0.0012%); highest among the groups gnomAD compares: Admixed American, 0.014%; no homozygotes.

Submissions (2):

Ambry Genetics
Classification: Likely benign for Inborn genetic diseases. Last evaluated: 2023-10-25. Review status: criteria provided, single submitter. Criteria: Ambry Variant Classification Scheme 2023. Collection method: clinical testing. Allele origin: germline.

Labcorp Genetics (formerly Invitae), Labcorp
Classification: Uncertain significance for Immunodeficiency 35. Last evaluated: 2023-08-04. Review status: criteria provided, single submitter. Criteria: Invitae Variant Classification Sherloc (09022015). Collection method: clinical testing. Allele origin: germline.
Comment: Advanced modeling of protein sequence and biophysical properties (such as structural, functional, and spatial information, amino acid conservation, physicochemical variation, residue mobility, and thermodynamic stability) performed at Invitae indicates that this missense variant is not expected to disrupt TYK2 protein function. ClinVar contains an entry for this variant (Variation ID: 941955). This variant has not been reported in the literature in individuals affected with TYK2-related conditions. This variant is present in population databases (rs771922681, gnomAD 0.03%). This sequence change replaces arginine, which is basic and polar, with glutamine, which is neutral and polar, at codon 465 of the TYK2 protein (p.Arg465Gln). In summary, the available evidence is currently insufficient to determine the role of this variant in disease. Therefore, it has been classified as a Variant of Uncertain Significance.

NM_003331.5(TYK2):c.1394G>A (p.Arg465Gln)

Gene: TYK2 (tyrosine kinase 2; minus strand). Cytogenetic location: 19p13.2.
Variant type: single nucleotide variant.
Coding change: c.1394G>A on transcript NM_003331.5 (MANE Select); coding-DNA position 1394, G replaced by A.
Protein change: p.Arg465Gln; replaces arginine 465 with glutamine.
Molecular consequence: missense variant.
Genome position (GRCh38, 1-based): chr19:10,362,631, C>T on the plus strand (G>A on the coding strand, the complement: TYK2 is on the minus strand). VCF-style: chr19-10362631-C-T. GRCh37 (hg19) VCF-style: chr19-10473307-C-T.
Other names: short protein forms R465Q.
Identifiers: ClinVar variation 941955 (VCV000941955.6), dbSNP rs771922681, ClinGen allele CA9193427.